The following is an entry in ClinVar:

ClinVar aggregate classification (germline): Likely benign. Review status: criteria provided, single submitter (1 of 4 stars). 2 submissions from 2 submitters: Likely benign (1). 1 of the submissions does not count toward it. Last evaluated 2024-08-14.

Conditions:
NDUFAF6-related disorder. Also called: NDUFAF6-related condition.

Allele frequency attached by ClinVar (database versions not stated): gnomAD 0.00001; gnomAD exomes 0.00002; TOPMed 0.00004.
gnomAD v4.1: 12 of 1,612,612 alleles (0.00074%); highest among the groups gnomAD compares: Admixed American, 0.017%; no homozygotes.

Submissions (2):

Labcorp Genetics (formerly Invitae), Labcorp
Classification: Likely benign. Last evaluated: 2024-08-14. Review status: criteria provided, single submitter. Criteria: Invitae Variant Classification Sherloc (09022015). Collection method: clinical testing. Allele origin: germline.

PreventionGenetics, part of Exact Sciences
Classification: Likely benign for NDUFAF6-related condition. Last evaluated: 2019-10-01. Review status: no assertion criteria provided. Collection method: clinical testing. Allele origin: germline. Not counted in ClinVar's aggregate classification.
Comment: This variant is classified as likely benign based on ACMG/AMP sequence variant interpretation guidelines (Richards et al. 2015 PMID: 25741868, with internal and published modifications).

NM_152416.4(NDUFAF6):c.390A>G (p.Pro130=)

Gene: NDUFAF6 (NADH:ubiquinone oxidoreductase complex assembly factor 6; plus strand). Cytogenetic location: 8q22.1.
Variant type: single nucleotide variant.
Coding change: c.390A>G on transcript NM_152416.4 (MANE Select); coding-DNA position 390, A replaced by G.
Protein change: p.Pro130=; no amino-acid change (proline 130 retained).
Molecular consequence: synonymous variant. On other transcripts: 5 prime UTR variant (10), non-coding transcript variant (6).
Genome position (GRCh38, 1-based): chr8:95,035,546, A>G. VCF-style: chr8-95035546-A-G. GRCh37 (hg19) VCF-style: chr8-96047774-A-G.
Other names: c.114A>G, p.Pro38= (NM_001330582.2, NM_001354514.2, NM_001354515.2 and 1 more transcripts); c.234A>G, p.Pro78= (NM_001354516.2); c.57A>G, p.Pro19= (NM_001354517.2, NM_001354518.2, NM_001354519.2 and 1 more transcripts); c.-191A>G (NM_001354522.2, NM_001354529.2, NM_001354530.2 and 1 more transcripts); c.-260A>G (NM_001354524.2, NM_001354525.2, NM_001354528.2 and 1 more transcripts); c.-289A>G (NM_001354527.2, NM_001354531.2).
Identifiers: ClinVar variation 720472 (VCV000720472.7), dbSNP rs1338905309, ClinGen allele CA462299847.